The following is an entry in ClinVar:

NM_004304.5(ALK):c.4168C>G (p.Pro1390Ala)

Gene: ALK (ALK receptor tyrosine kinase; minus strand). Cytogenetic location: 2p23.2.
Variant type: single nucleotide variant.
Coding change: c.4168C>G on transcript NM_004304.5 (MANE Select); coding-DNA position 4168, C replaced by G.
Protein change: p.Pro1390Ala; replaces proline 1390 with alanine.
Molecular consequence: missense variant.
Genome position (GRCh38, 1-based): chr2:29,193,919, G>C on the plus strand (C>G on the coding strand, the complement: ALK is on the minus strand). VCF-style: chr2-29193919-G-C. GRCh37 (hg19) VCF-style: chr2-29416785-G-C.
Other names: c.964C>G, p.Pro322Ala (NM_001353765.2); c.4168C>G (NM_004304.4); short protein forms P1390A, P322A.
Identifiers: ClinVar variation 1043723 (VCV001043723.11), dbSNP rs1668958001, ClinGen allele CA346463647.

ClinVar aggregate classification (germline): Uncertain significance. Review status: criteria provided, multiple submitters, no conflicts (2 of 4 stars). 2 submissions from 2 submitters: Uncertain significance (2). Last evaluated 2025-11-23.

Conditions:
Hereditary cancer-predisposing syndrome. Also called: Hereditary neoplastic syndrome; Neoplastic Syndromes, Hereditary; Tumor predisposition; Hereditary Cancer Syndrome. Identifiers: Orphanet 140162, MedGen C0027672, MeSH D009386, MONDO:0015356.
Neuroblastoma, susceptibility to, 3. Also called: ALK-Related Neuroblastic Tumor Susceptibility. Identifiers: Orphanet 635, MedGen C2751681, MONDO:0013083, OMIM 613014.

Allele frequency attached by ClinVar (database versions not stated): gnomAD exomes below 0.00001.
gnomAD v4.1: 2 of 1,614,120 alleles (0.00012%); highest among the groups gnomAD compares: Non-Finnish European, 0.00017%; no homozygotes.

Submissions (2):

Labcorp Genetics (formerly Invitae), Labcorp
Classification: Uncertain significance for Neuroblastoma, susceptibility to, 3. Last evaluated: 2025-11-23. Review status: criteria provided, single submitter. Criteria: Invitae Variant Classification Sherloc (09022015). Collection method: clinical testing. Allele origin: germline.
Comment: This sequence change replaces proline, which is neutral and non-polar, with alanine, which is neutral and non-polar, at codon 1390 of the ALK protein (p.Pro1390Ala). This variant is not present in population databases (gnomAD no frequency). This variant has not been reported in the literature in individuals affected with ALK-related conditions. ClinVar contains an entry for this variant (Variation ID: 1043723). An algorithm developed to predict the effect of missense changes on protein structure and function (PolyPhen-2) suggests that this variant is likely to be disruptive. In summary, the available evidence is currently insufficient to determine the role of this variant in disease. Therefore, it has been classified as a Variant of Uncertain Significance.

Ambry Genetics
Classification: Uncertain significance for Hereditary cancer-predisposing syndrome. Last evaluated: 2025-05-17. Review status: criteria provided, single submitter. Criteria: Ambry Variant Classification Scheme 2023. Collection method: clinical testing. Allele origin: germline.
Comment: The p.P1390A variant (also known as c.4168C>G), located in coding exon 29 of the ALK gene, results from a C to G substitution at nucleotide position 4168. The proline at codon 1390 is replaced by alanine, an amino acid with highly similar properties. This amino acid position is conserved. In addition, the in silico prediction for this alteration is inconclusive. Since supporting evidence is limited at this time, the clinical significance of this alteration remains unclear.